The following is an entry in ClinVar:

ClinVar aggregate classification (germline): Benign (1 of 4 stars; one submission).

Conditions:
Melanoma-pancreatic cancer syndrome. Identifiers: Orphanet 404560, MedGen C1838547, MONDO:0011713, OMIM 606719. Disease mechanism: loss of function.

Submission:

Myriad Genetics, Inc.
Classification: Benign for Melanoma-pancreatic cancer syndrome. Last evaluated: 2025-08-15. Review status: criteria provided, single submitter. Criteria: Myriad Autosomal Dominant, Autosomal Recessive and X-Linked Classification Criteria (2023). Collection method: clinical testing. Allele origin: unknown.
Comment: This variant is considered benign. This variant is intronic and is not expected to impact mRNA splicing.

NM_000077.5(CDKN2A):c.458-99_458-96del

Gene: CDKN2A (cyclin dependent kinase inhibitor 2A; minus strand). Cytogenetic location: 9p21.3.
Variant type: Deletion.
Coding change: c.458-99_458-96del on transcript NM_000077.5 (MANE Select); 99 bases into the intron before coding-DNA position 458 through 96 bases into the intron before coding-DNA position 458, 4 bases deleted (ATTT; older notation c.458-99_458-96delATTT).
Molecular consequence: intron variant.
Genome position (GRCh38, 1-based): chr9:21,968,338-21,968,341, AAAT deleted on the plus strand (ATTT on the coding strand, the reverse complement: CDKN2A is on the minus strand); deleting any 4 consecutive bases within chr9:21,968,338-21,968,342 gives the same sequence; the c. name uses the placement nearest the transcript's 3' end. VCF-style (leftmost placement, unchanged base first): chr9-21968337-GAAAT-G. GRCh37 (hg19) VCF-style: chr9-21968336-GAAAT-G.
Other names: c.305-99_305-96del (NM_001363763.2); c.*102-99_*102-96del (NM_058195.4); c.*151-99_*151-96del (NM_001195132.2); c.*381-99_*381-96del (NM_058197.5).
Identifiers: ClinVar variation 4294182 (VCV004294182.1).